The following is an entry in ClinVar:

ClinVar aggregate classification (germline): Uncertain significance (1 of 4 stars; one submission).

Submission:

Ambry Genetics
Classification: Uncertain significance. Last evaluated: 2021-10-11. Review status: criteria provided, single submitter. Criteria: Ambry Variant Classification Scheme 2023. Collection method: clinical testing. Allele origin: germline.
Comment: The p.H33P variant (also known as c.98A>C), located in coding exon 2 of the ILK gene, results from an A to C substitution at nucleotide position 98. The histidine at codon 33 is replaced by proline, an amino acid with similar properties. This amino acid position is conserved. In addition, the in silico prediction for this alteration is inconclusive. Since supporting evidence is limited at this time, the clinical significance of this alteration remains unclear.

NM_004517.4(ILK):c.98A>C (p.His33Pro)

Genes: ILK (integrin linked kinase; plus strand), TAF10 (TATA-box binding protein associated factor 10; minus strand). Cytogenetic location: 11p15.4.
Variant type: single nucleotide variant.
Coding change: c.98A>C on transcript NM_004517.4 (MANE Select); coding-DNA position 98, A replaced by C.
Protein change: p.His33Pro; replaces histidine 33 with proline.
Molecular consequence: missense variant. On other transcripts: 3 prime UTR variant (1), intron variant (1).
Genome position (GRCh38, 1-based): chr11:6,608,054, A>C. VCF-style: chr11-6608054-A-C. GRCh37 (hg19) VCF-style: chr11-6629284-A-C.
Other names: c.98A>C, p.His33Pro (NM_001014794.3, NM_001014795.3, NM_001278441.2); c.*2868T>G (NM_006284.4); c.-147-340A>C (NM_001278442.2); short protein forms H33P.
Identifiers: ClinVar variation 1768532 (VCV001768532.2), dbSNP rs2493759734, ClinGen allele CA379454088.
Genomic context (GRCh38, chr11:6,608,054, plus strand): 5'-ACCTTTGCCCCATCCCACCTCCAGCTCAATGACCATTGCCCCTTCCTCAAAGGGACGATC[A>C]TGGCTTCTCCCCCTTGCACTGGGCCTGCCGAGAGGGCCGCTCTGCTGTGGTTGAGATGTT-3'
Protein context (NP_004508.1, residues 23-43): TENDLNQGDD[His33Pro]GFSPLHWACR